The following is an entry in ClinVar:

ClinVar aggregate classification (germline): Uncertain significance (1 of 4 stars; one submission).

Allele frequency attached by ClinVar (database versions not stated): TOPMed 0.00003; ExAC 0.00014; gnomAD 0.00002; gnomAD exomes 0.00004.
gnomAD v4.1: 62 of 1,530,242 alleles (0.0041%); highest among the groups gnomAD compares: Non-Finnish European, 0.0047%; no homozygotes.

Submission:

Labcorp Genetics (formerly Invitae), Labcorp
Classification: Uncertain significance. Last evaluated: 2022-08-11. Review status: criteria provided, single submitter. Criteria: Invitae Variant Classification Sherloc (09022015). Collection method: clinical testing. Allele origin: germline.
Comment: In summary, the available evidence is currently insufficient to determine the role of this variant in disease. Therefore, it has been classified as a Variant of Uncertain Significance. Algorithms developed to predict the effect of missense changes on protein structure and function (SIFT, PolyPhen-2, Align-GVGD) all suggest that this variant is likely to be tolerated. This variant has not been reported in the literature in individuals affected with OTOG-related conditions. This variant is present in population databases (rs759564756, gnomAD 0.009%). This sequence change replaces glycine, which is neutral and non-polar, with serine, which is neutral and polar, at codon 1556 of the OTOG protein (p.Gly1556Ser).

NM_001292063.2(OTOG):c.4630G>A (p.Gly1544Ser)

Gene: OTOG (otogelin; plus strand). Cytogenetic location: 11p15.1.
Variant type: single nucleotide variant.
Coding change: c.4630G>A on transcript NM_001292063.2 (MANE Select); coding-DNA position 4630, G replaced by A.
Protein change: p.Gly1544Ser; replaces glycine 1544 with serine.
Molecular consequence: missense variant.
Genome position (GRCh38, 1-based): chr11:17,609,930, G>A. VCF-style: chr11-17609930-G-A. GRCh37 (hg19) VCF-style: chr11-17631477-G-A.
Other names: c.4666G>A, p.Gly1556Ser (NM_001277269.2); short protein forms G1556S, G1544S.
Identifiers: ClinVar variation 2075360 (VCV002075360.4), dbSNP rs759564756, ClinGen allele CA5905861.